The following is an entry in ClinVar:

NM_019112.4(ABCA7):c.2928C>T (p.Arg976=)

Genes: ABCA7 (ATP binding cassette subfamily A member 7; plus strand), LOC129391017 (MPRA-validated peak3219 silencer; plus strand). Cytogenetic location: 19p13.3.
Variant type: single nucleotide variant.
Coding change: c.2928C>T on transcript NM_019112.4 (MANE Select); coding-DNA position 2928, C replaced by T.
Protein change: p.Arg976=; no amino-acid change (arginine 976 retained).
Molecular consequence: synonymous variant.
Genome position (GRCh38, 1-based): chr19:1,051,552, C>T. VCF-style: chr19-1051552-C-T. GRCh37 (hg19) VCF-style: chr19-1051551-C-T.
Identifiers: ClinVar variation 3037619 (VCV003037619.2), dbSNP rs112434834, ClinGen allele CA9033808.
Genomic context (GRCh38, chr19:1,051,552, plus strand): 5'-CGGCTCCCAAGTTGTTATCCTGGACGAGCCTACGGCTGGCGTGGATCCTGCTTCCCGCCG[C>T]GGTATTTGGGAGCTGCTGCTCAAATACCGAGAAGGTAAGAGCTGGGGATTCTGCTCGAGG-3'
Protein context (NP_061985.2, residues 966-986): PTAGVDPASR[Arg976=]GIWELLLKYR

ClinVar aggregate classification (germline): Likely benign (0 of 4 stars; one submission).

Conditions:
ABCA7-related disorder. Also called: ABCA7-related condition.

Allele frequency attached by ClinVar (database versions not stated): ExAC 0.00005; ESP Exome Variant Server 0.00031; TOPMed 0.00036.

Submission:

PreventionGenetics, part of Exact Sciences
Classification: Likely benign for ABCA7-related condition. Last evaluated: 2019-05-01. Review status: no assertion criteria provided. Collection method: clinical testing. Allele origin: germline.
Comment: This variant is classified as likely benign based on ACMG/AMP sequence variant interpretation guidelines (Richards et al. 2015 PMID: 25741868, with internal and published modifications).